The following is an entry in ClinVar:

NM_000518.5(HBB):c.84_90del (p.Leu29fs)

Genes: HBB (hemoglobin subunit beta; minus strand), LOC106099062 (HBB recombination region; plus strand), LOC107133510 (origin of replication at HBB; plus strand). Cytogenetic location: 11p15.4.
Variant type: Deletion.
Coding change: c.84_90del on transcript NM_000518.5 (MANE Select); coding-DNA positions 84 to 90, 7 bases deleted (CCTGGGC; older notation c.84_90delCCTGGGC).
Protein change: p.Leu29fs; shifts the reading frame from leucine 29.
Molecular consequence: frameshift variant.
Genome position (GRCh38, 1-based): chr11:5,226,932-5,226,938, GCCCAGG deleted on the plus strand (CCTGGGC on the coding strand, the reverse complement: HBB is on the minus strand); deleting any 7 consecutive bases within chr11:5,226,932-5,226,941 gives the same sequence; the c. name uses the placement nearest the transcript's 3' end. VCF-style (leftmost placement, unchanged base first): chr11-5226931-TGCCCAGG-T. GRCh37 (hg19) VCF-style: chr11-5248161-TGCCCAGG-T.
Other names: short protein forms L29fs.
Identifiers: ClinVar variation 4532970 (VCV004532970.1).

ClinVar aggregate classification (germline): Likely pathogenic (1 of 4 stars; one submission).

Submission:

Quest Diagnostics Nichols Institute San Juan Capistrano
Classification: Likely pathogenic. Last evaluated: 2025-11-06. Review status: criteria provided, single submitter. Criteria: Quest Diagnostics criteria. Collection method: clinical testing. Allele origin: unknown.
Comment: The HBB c.84_90del (p.Leu29Glyfs*31) variant alters the translational reading frame of the HBB mRNA and is predicted to cause the premature termination of HBB protein synthesis. This variant has not been reported in individuals with HBB-related conditions in the published literature. This variant has not been reported in large, multi-ethnic general populations (Genome Aggregation Database). Based on the available information, this variant is classified as likely pathogenic.